The following is an entry in ClinVar:

NM_004104.5(FASN):c.1934C>G (p.Ser645Cys)

Gene: FASN (fatty acid synthase; minus strand). Cytogenetic location: 17q25.3.
Variant type: single nucleotide variant.
Coding change: c.1934C>G on transcript NM_004104.5 (MANE Select); coding-DNA position 1934, C replaced by G.
Protein change: p.Ser645Cys; replaces serine 645 with cysteine.
Molecular consequence: missense variant.
Genome position (GRCh38, 1-based): chr17:82,089,663, G>C on the plus strand (C>G on the coding strand, the complement: FASN is on the minus strand). VCF-style: chr17-82089663-G-C. GRCh37 (hg19) VCF-style: chr17-80047539-G-C.
Other names: short protein forms S645C.
Identifiers: ClinVar variation 1464901 (VCV001464901.8), dbSNP rs2034167595, ClinGen allele CA401559286.

ClinVar aggregate classification (germline): Uncertain significance (1 of 4 stars; one submission).

Conditions:
Epileptic encephalopathy. Identifiers: MedGen C0543888, HP:0200134.

Allele frequency attached by ClinVar (database versions not stated): TOPMed below 0.00001.

Submission:

Labcorp Genetics (formerly Invitae), Labcorp
Classification: Uncertain significance for Epileptic encephalopathy. Last evaluated: 2025-01-06. Review status: criteria provided, single submitter. Criteria: Invitae Variant Classification Sherloc (09022015). Collection method: clinical testing. Allele origin: germline.
Comment: This sequence change replaces serine, which is neutral and polar, with cysteine, which is neutral and slightly polar, at codon 645 of the FASN protein (p.Ser645Cys). This variant is not present in population databases (gnomAD no frequency). This variant has not been reported in the literature in individuals affected with FASN-related conditions. ClinVar contains an entry for this variant (Variation ID: 1464901). An algorithm developed to predict the effect of missense changes on protein structure and function outputs the following: PolyPhen-2: "Possibly Damaging". The cysteine amino acid residue is found in multiple mammalian species, which suggests that this missense change does not adversely affect protein function. In summary, the available evidence is currently insufficient to determine the role of this variant in disease. Therefore, it has been classified as a Variant of Uncertain Significance.